The following is an entry in ClinVar:

NM_002133.3(HMOX1):c.610A>T (p.Lys204Ter)

Gene: HMOX1 (heme oxygenase 1; plus strand). Cytogenetic location: 22q12.3.
Variant type: single nucleotide variant.
Coding change: c.610A>T on transcript NM_002133.3 (MANE Select); coding-DNA position 610, A replaced by T.
Protein change: p.Lys204Ter; replaces lysine 204 with a stop codon.
Molecular consequence: nonsense.
Genome position (GRCh38, 1-based): chr22:35,387,150, A>T. VCF-style: chr22-35387150-A-T. GRCh37 (hg19) VCF-style: chr22-35783143-A-T.
Other names: short protein forms K204*.
Identifiers: ClinVar variation 1326852 (VCV001326852.4), dbSNP rs1931531888, ClinGen allele CA411353387.
Genomic context (GRCh38, chr22:35,387,150, plus strand): 5'-TCCCGCATGAACTCCCTGGAGATGACTCCCGCAGTCAGGCAGAGGGTGATAGAAGAGGCC[A>T]AGACTGCGTTCCTGCTCAACATCCAGGTGAGGGTCGGGCAGCCTGGGGCAGCCTCTGCCT-3'

ClinVar aggregate classification (germline): Pathogenic. Review status: criteria provided, single submitter (1 of 4 stars). 2 submissions from 2 submitters: Pathogenic (1). 1 of the submissions does not count toward it. Last evaluated 2023-09-01.

Conditions:
Heme oxygenase 1 deficiency (HMOX1D). Identifiers: Orphanet 562509, MedGen C1841651, MONDO:0013536, OMIM 614034.

Submissions (2):

Labcorp Genetics (formerly Invitae), Labcorp
Classification: Pathogenic. Last evaluated: 2023-09-01. Review status: criteria provided, single submitter. Criteria: Invitae Variant Classification Sherloc (09022015). Collection method: clinical testing. Allele origin: germline.
Comment: For these reasons, this variant has been classified as Pathogenic. ClinVar contains an entry for this variant (Variation ID: 1326852). This premature translational stop signal has been observed in individual(s) with heme oxygenase-1 deficiency (PMID: 32587840). This variant is not present in population databases (gnomAD no frequency). This sequence change creates a premature translational stop signal (p.Lys204*) in the HMOX1 gene. It is expected to result in an absent or disrupted protein product. Loss-of-function variants in HMOX1 are known to be pathogenic (PMID: 9884342, 21088618).

OMIM
Classification: Pathogenic for HEME OXYGENASE 1 DEFICIENCY. Last evaluated: 2021-12-01. Review status: no assertion criteria provided. Collection method: literature only. Allele origin: germline. Not counted in ClinVar's aggregate classification.

Literature cited by the submitters: PubMed 32587840 (cited by Labcorp Genetics (formerly Invitae), Labcorp and OMIM); PubMed 9884342 (cited by Labcorp Genetics (formerly Invitae), Labcorp); PubMed 21088618 (cited by Labcorp Genetics (formerly Invitae), Labcorp).